The following is an entry in ClinVar:

NM_000257.4(MYH7):c.2658C>T (p.Asp886=)

Genes: MYH7 (myosin heavy chain 7; minus strand), LOC126861898 (BRD4-independent group 4 enhancer GRCh37_chr14:23893609-23894808; plus strand). Cytogenetic location: 14q11.2.
Variant type: single nucleotide variant.
Coding change: c.2658C>T on transcript NM_000257.4 (MANE Select); coding-DNA position 2658, C replaced by T.
Protein change: p.Asp886=; no amino-acid change (aspartic acid 886 retained).
Molecular consequence: synonymous variant.
Genome position (GRCh38, 1-based): chr14:23,424,790, G>A on the plus strand (C>T on the coding strand, the complement: MYH7 is on the minus strand). VCF-style: chr14-23424790-G-A. GRCh37 (hg19) VCF-style: chr14-23893999-G-A.
Identifiers: ClinVar variation 667128 (VCV000667128.12), dbSNP rs765948561, ClinGen allele CA033642.

ClinVar aggregate classification (germline): Likely benign. Review status: criteria provided, multiple submitters, no conflicts (2 of 4 stars). 5 submissions from 5 submitters: Likely benign (5). Last evaluated 2025-12-02.

Conditions:
Hypertrophic cardiomyopathy. Also called: HYPERTROPHIC MYOCARDIOPATHY. Identifiers: Orphanet 217569, MedGen C0007194, MeSH D002312, MONDO:0005045, HP:0001639.
Cardiomyopathy (CMYO). Also called: Cardiomyopathies. Identifiers: Orphanet 167848, MedGen C0878544, MONDO:0004994, HP:0001638. Inheritance: Various modes of inheritance.

Allele frequency attached by ClinVar (database versions not stated): ExAC 0.00001; gnomAD 0.00003; gnomAD exomes 0.00002.
gnomAD v4.1: 5 of 1,614,060 alleles (0.00031%); highest among the groups gnomAD compares: East Asian, 0.0067%; no homozygotes.

Submissions (5):

Labcorp Genetics (formerly Invitae), Labcorp
Classification: Likely benign for Hypertrophic cardiomyopathy. Last evaluated: 2025-12-02. Review status: criteria provided, single submitter. Criteria: Invitae Variant Classification Sherloc (09022015). Collection method: clinical testing. Allele origin: germline.

All of Us Research Program, National Institutes of Health
Classification: Likely benign for Cardiomyopathy. Last evaluated: 2023-10-02. Review status: criteria provided, single submitter. Criteria: ACMG Guidelines, 2015. Collection method: clinical testing. Allele origin: germline. Inheritance: Autosomal dominant inheritance. Observed: 3 variant alleles, 3 heterozygotes.
Comment: This study involves interpretation of variants in research participants for the purpose of population health screening. Participant phenotype was not available at the time of variant classification. Additional details can be found in publication PMID: 35346344, PMCID: PMC8962531

Color Diagnostics, LLC DBA Color Health
Classification: Likely benign for Cardiomyopathy. Last evaluated: 2022-08-29. Review status: criteria provided, single submitter. Criteria: ACMG Guidelines, 2015. Collection method: clinical testing. Allele origin: germline.

CHEO Genetics Diagnostic Laboratory, Children's Hospital of Eastern Ontario
Classification: Likely benign for Cardiomyopathy. Last evaluated: 2021-04-01. Review status: criteria provided, single submitter. Criteria: ACMG Guidelines, 2015. Collection method: clinical testing. Allele origin: germline.

Laboratory for Molecular Medicine, Mass General Brigham Personalized Medicine
Classification: Likely benign. Last evaluated: 2018-04-06. Review status: criteria provided, single submitter. Criteria: LMM Criteria. Collection method: clinical testing. Allele origin: germline. Observed: 1 variant allele.
Comment: p.Asp886Asp in MYH7: This variant is classified as likely benign because it does not alter an amino acid residue, is not located within the splice consensus seq uence, and splice prediction algorithms do not predict a newly created splice si te. It has been identified in 0.016% (3/18870) East Asian chromosomes by the Gen ome Aggregation Database (gnomAD; dbSNP rs7659 48561). ACMG/AMP Criteria applied: BP4; BP7.